The following is an entry in ClinVar:

NM_012123.4(MTO1):c.687del (p.Phe230fs)

Gene: MTO1 (mitochondrial tRNA translation optimization 1; plus strand). Cytogenetic location: 6q13.
Variant type: Deletion.
Coding change: c.687del on transcript NM_012123.4 (MANE Select); coding-DNA position 687, one base deleted (G; older notation c.687delG).
Protein change: p.Phe230fs; shifts the reading frame from phenylalanine 230.
Molecular consequence: frameshift variant.
Genome position (GRCh38, 1-based): chr6:73,473,516, G deleted; the last of 3 consecutive G bases (chr6:73,473,514-73,473,516); deleting any one gives the same sequence. VCF-style (leftmost placement, unchanged base first): chr6-73473513-AG-A. GRCh37 (hg19) VCF-style: chr6-74183236-AG-A.
Other names: c.687del, p.Phe230fs (NM_001123226.2, NM_133645.3); short protein forms F230fs.
Identifiers: ClinVar variation 3659737 (VCV003659737.2).

ClinVar aggregate classification (germline): Pathogenic (1 of 4 stars; one submission).

Conditions:
Mitochondrial hypertrophic cardiomyopathy with lactic acidosis due to MTO1 deficiency. Also called: Combined oxidative phosphorylation deficiency 10; CARDIOMYOPATHY, INFANTILE HYPERTROPHIC MITOCHONDRIAL, AND LACTIC ACIDOSIS. Identifiers: Orphanet 314637, MedGen C4749921, MONDO:0013865, OMIM 614702.

Submission:

Labcorp Genetics (formerly Invitae), Labcorp
Classification: Pathogenic for Mitochondrial hypertrophic cardiomyopathy with lactic acidosis due to MTO1 deficiency. Last evaluated: 2024-07-17. Review status: criteria provided, single submitter. Criteria: Invitae Variant Classification Sherloc (09022015). Collection method: clinical testing. Allele origin: germline.
Comment: This sequence change creates a premature translational stop signal (p.Phe230Leufs*6) in the MTO1 gene. It is expected to result in an absent or disrupted protein product. Loss-of-function variants in MTO1 are known to be pathogenic (PMID: 22608499, 25058219). This variant is present in population databases (rs750426495, gnomAD 0.0009%). This variant has not been reported in the literature in individuals affected with MTO1-related conditions. Algorithms developed to predict the effect of sequence changes on RNA splicing suggest that this variant may create or strengthen a splice site. For these reasons, this variant has been classified as Pathogenic.

Literature cited by the submitters: PubMed 22608499; PubMed 25058219.